The following is an entry in ClinVar:

ClinVar aggregate classification (germline): Uncertain significance (1 of 4 stars; one submission).

Conditions:
Immunodeficiency 39 (IMD39). Identifiers: Orphanet 574918, MedGen C4225358, MONDO:0014597, OMIM 616345.

gnomAD v4.1: 12 of 1,575,878 alleles (0.00076%); highest among the groups gnomAD compares: African/African-American, 0.0068%; no homozygotes.

Submission:

Labcorp Genetics (formerly Invitae), Labcorp
Classification: Uncertain significance for Immunodeficiency 39. Last evaluated: 2024-11-13. Review status: criteria provided, single submitter. Criteria: Invitae Variant Classification Sherloc (09022015). Collection method: clinical testing. Allele origin: germline.
Comment: This sequence change replaces arginine, which is basic and polar, with histidine, which is basic and polar, at codon 357 of the IRF7 protein (p.Arg357His). This variant is present in population databases (rs762828447, gnomAD 0.01%). This variant has not been reported in the literature in individuals affected with IRF7-related conditions. Invitae Evidence Modeling of protein sequence and biophysical properties (such as structural, functional, and spatial information, amino acid conservation, physicochemical variation, residue mobility, and thermodynamic stability) indicates that this missense variant is not expected to disrupt IRF7 protein function with a negative predictive value of 80%. In summary, the available evidence is currently insufficient to determine the role of this variant in disease. Therefore, it has been classified as a Variant of Uncertain Significance.

NM_001572.5(IRF7):c.1031G>A (p.Arg344His)

Gene: IRF7 (interferon regulatory factor 7; minus strand). Cytogenetic location: 11p15.5.
Variant type: single nucleotide variant.
Coding change: c.1031G>A on transcript NM_001572.5 (MANE Select); coding-DNA position 1031, G replaced by A.
Protein change: p.Arg344His; replaces arginine 344 with histidine.
Molecular consequence: missense variant.
Genome position (GRCh38, 1-based): chr11:613,412, C>T on the plus strand (G>A on the coding strand, the complement: IRF7 is on the minus strand). VCF-style: chr11-613412-C-T. GRCh37 (hg19) VCF-style: chr11-613412-C-T.
Other names: c.944G>A, p.Arg315His (NM_004029.4); c.1070G>A, p.Arg357His (NM_004031.4); short protein forms R315H, R344H, R357H.
Identifiers: ClinVar variation 3712242 (VCV003712242.2).